The following is an entry in ClinVar:

NM_033380.3(COL4A5):c.2360G>A (p.Gly787Glu)

Gene: COL4A5 (collagen type IV alpha 5 chain; plus strand). Cytogenetic location: Xq22.3.
Variant type: single nucleotide variant.
Coding change: c.2360G>A on transcript NM_033380.3 (MANE Select); coding-DNA position 2360, G replaced by A.
Protein change: p.Gly787Glu; replaces glycine 787 with glutamic acid.
Molecular consequence: missense variant.
Genome position (GRCh38, 1-based): chrX:108,606,857, G>A. VCF-style: chrX-108606857-G-A. GRCh37 (hg19) VCF-style: chrX-107850087-G-A.
Other names: c.2360G>A, p.Gly787Glu (NM_000495.5); short protein forms G787E.
Identifiers: ClinVar variation 3236218 (VCV003236218.1), dbSNP rs104886176, ClinGen allele CA413849146.

ClinVar aggregate classification (germline): Likely pathogenic (1 of 4 stars; one submission).

Conditions:
X-linked Alport syndrome (ATS1). Also called: COL4A5-Related Nephropathy; NEPHROPATHY AND DEAFNESS, X-LINKED. Identifiers: Orphanet 63, Orphanet 88917, MedGen C4746986, MONDO:0010520, OMIM 301050.

Submission:

MVZ Medizinische Genetik Mainz
Classification: Likely pathogenic for X-linked Alport syndrome. Last evaluated: 2022-06-28. Review status: criteria provided, single submitter. Criteria: UK Practice Guidelines For Variant Classification V4 01 2020. Collection method: clinical testing. Allele origin: germline. Inheritance: X-linked dominant inheritance. Affected: yes. Observed: 1 variant allele.
Comment: ACMG Criteria: PM1_STR, PM2_SUP, PM5, PP3, PP4